The following is an entry in ClinVar:

NM_032242.4(PLXNA1):c.4295+10G>T

Gene: PLXNA1 (plexin A1; plus strand). Cytogenetic location: 3q21.3.
Variant type: single nucleotide variant.
Coding change: c.4295+10G>T on transcript NM_032242.4 (MANE Select); 10 bases into the intron after coding-DNA position 4295, G replaced by T.
Molecular consequence: intron variant.
Genome position (GRCh38, 1-based): chr3:127,022,351, G>T. VCF-style: chr3-127022351-G-T. GRCh37 (hg19) VCF-style: chr3-126741194-G-T.
Identifiers: ClinVar variation 3032935 (VCV003032935.2), dbSNP rs370474043, ClinGen allele CA2594276.

ClinVar aggregate classification (germline): Likely benign (0 of 4 stars; one submission).

Conditions:
PLXNA1-related disorder. Also called: PLXNA1-related condition.

gnomAD v4.1: 27 of 1,603,198 alleles (0.0017%); highest among the groups gnomAD compares: Admixed American, 0.045%; no homozygotes.

Submission:

PreventionGenetics, part of Exact Sciences
Classification: Likely benign for PLXNA1-related condition. Last evaluated: 2021-10-05. Review status: no assertion criteria provided. Collection method: clinical testing. Allele origin: germline.
Comment: This variant is classified as likely benign based on ACMG/AMP sequence variant interpretation guidelines (Richards et al. 2015 PMID: 25741868, with internal and published modifications).